The following is an entry in ClinVar:

ClinVar aggregate classification (germline): Pathogenic. Review status: criteria provided, multiple submitters, no conflicts (2 of 4 stars). 2 submissions from 2 submitters: Pathogenic (2). Last evaluated 2023-12-11.

Conditions:
Retinitis pigmentosa 19 (RP19). Also called: ABCA4-Related Retinitis Pigmentosa. Identifiers: Orphanet 791, MedGen C1866422, MONDO:0011137, OMIM 601718.

Submissions (2):

3billion
Classification: Pathogenic for Retinitis pigmentosa 19. Last evaluated: 2023-12-11. Review status: criteria provided, single submitter. Criteria: ACMG Guidelines, 2015. Collection method: clinical testing. Allele origin: germline. Affected: yes.
Comment: The variant is not observed in the gnomAD v2.1.1 dataset. Predicted Consequence/Location: Stop-gained (nonsense): predicted to result in a loss or disruption of normal protein function through nonsense-mediated decay (NMD) or protein truncation. Multiple pathogenic variants are reported downstream of the variant. The variant has been reported at least twice as pathogenic without evidence for the classification (ClinVar ID: VCV001687185 /PMID: 29975949 /3billion dataset). Therefore, this variant is classified as Pathogenic according to the recommendation of ACMG/AMP guideline.

GeneDx
Classification: Pathogenic. Last evaluated: 2022-03-07. Review status: criteria provided, single submitter. Criteria: GeneDx Variant Classification Process June 2021. Collection method: clinical testing. Allele origin: germline. Affected: yes.
Comment: Nonsense variant predicted to result in protein truncation or nonsense-mediated decay in a gene for which loss-of-function is a known mechanism of disease; Not observed at significant frequency in large population cohorts (gnomAD); This variant is associated with the following publications: (PMID: 29975949, 31814693, 31144483, 33691693)

Literature cited by the submitters: PubMed 29975949 (cited by 3billion).

NM_000350.3(ABCA4):c.3470T>G (p.Leu1157Ter)

Gene: ABCA4 (ATP binding cassette subfamily A member 4; minus strand). Cytogenetic location: 1p22.1.
Variant type: single nucleotide variant.
Coding change: c.3470T>G on transcript NM_000350.3 (MANE Select); coding-DNA position 3470, T replaced by G.
Protein change: p.Leu1157Ter; replaces leucine 1157 with a stop codon.
Molecular consequence: nonsense.
Genome position (GRCh38, 1-based): chr1:94,041,261, A>C on the plus strand (T>G on the coding strand, the complement: ABCA4 is on the minus strand). VCF-style: chr1-94041261-A-C. GRCh37 (hg19) VCF-style: chr1-94506817-A-C.
Other names: c.3470T>G (NM_000350.2); c.3248T>G, p.Leu1083Ter (NM_001425324.1); short protein forms L1157*, L1083*.
Identifiers: ClinVar variation 1687185 (VCV001687185.5), dbSNP rs2101048479, ClinGen allele CA341290633.
Genomic context (GRCh38, chr1:94,041,261, plus strand): 5'-ACACCTACCTCACTGCCTTTCCTTTGGCTCTGGATGTTTTTCATCTTGCGCACCAAGGTT[A>C]AGTACAAGCCTGTGCCAAAGCAGTTCTTCAGGAAGAGTGGGGTGCCTGAGCAGTAGAGCC-3'